The following is an entry in ClinVar:

NM_007194.4(CHEK2):c.410G>A (p.Arg137Gln)

Gene: CHEK2 (checkpoint kinase 2; minus strand). Cytogenetic location: 22q12.1.
Variant type: single nucleotide variant.
Coding change: c.410G>A on transcript NM_007194.4 (MANE Select); coding-DNA position 410, G replaced by A.
Protein change: p.Arg137Gln; replaces arginine 137 with glutamine.
Molecular consequence: missense variant.
Genome position (GRCh38, 1-based): chr22:28,725,277, C>T on the plus strand (G>A on the coding strand, the complement: CHEK2 is on the minus strand). VCF-style: chr22-28725277-C-T. GRCh37 (hg19) VCF-style: chr22-29121265-C-T.
Other names: p.R137Q:CGA>CAA; c.539G>A, p.Arg180Gln (NM_001005735.3); c.-368G>A (NM_001257387.3); c.410G>A, p.Arg137Gln (NM_001349956.3, NM_145862.3); short protein forms R137Q, R180Q.
Identifiers: ClinVar variation 128073 (VCV000128073.82), dbSNP rs368570187, ClinGen allele CA288305.

ClinVar aggregate classification (germline): Conflicting classifications of pathogenicity. Review status: criteria provided, conflicting classifications (1 of 4 stars). 24 submissions from 23 submitters: Uncertain significance (2); Benign (2); Likely benign (16). 4 of the submissions do not count toward it. Last evaluated 2026-02-04.

Conditions:
Breast and/or ovarian cancer. Identifiers: MedGen CN221562.
Hereditary cancer-predisposing syndrome. Also called: Tumor predisposition; Hereditary neoplastic syndrome; Neoplastic Syndromes, Hereditary; Hereditary Cancer Syndrome. Identifiers: Orphanet 140162, MedGen C0027672, MeSH D009386, MONDO:0015356.
CHEK2-related cancer predisposition (TPDS4). Also called: TUMOR PREDISPOSITION SYNDROME 4; CANCER PREDISPOSITION SYNDROME, CHEK2-RELATED; CHEK2-related cancer susceptibility. Identifiers: Orphanet 524, MedGen C5882668, MONDO:0700271, OMIM 609265.
Familial cancer of breast. Also called: Hereditary breast cancer; hereditary breast carcinoma; BREAST CANCER, FAMILIAL. Identifiers: Orphanet 227535, MedGen C0346153, MONDO:0016419, OMIM 114480. Disease mechanism: loss of function.

Allele frequency attached by ClinVar (database versions not stated): ESP Exome Variant Server 0.00008; gnomAD exomes 0.00011 and 0.00018; gnomAD 0.00012; TOPMed 0.00018; ExAC 0.00021.

Submissions (24):

Labcorp Genetics (formerly Invitae), Labcorp
Classification: Likely benign for Familial cancer of breast. Last evaluated: 2026-02-04. Review status: criteria provided, single submitter. Criteria: Invitae Variant Classification Sherloc (09022015). Collection method: clinical testing. Allele origin: germline.

Center for Genomic Medicine, Rigshospitalet, Copenhagen University Hospital
Classification: Uncertain significance. Last evaluated: 2025-12-29. Review status: criteria provided, single submitter. Criteria: ACMG Guidelines, 2015. Collection method: clinical testing. Allele origin: germline.

Dasa
Classification: Likely benign. Last evaluated: 2025-12-01. Review status: criteria provided, single submitter. Criteria: DASA Assertion Criteria. Collection method: clinical testing. Allele origin: germline.
Comment: NM_007194.4(CHEK2):c.410G>A (p.Arg137Gln) is a missense variant that results in the substitution of arginine with glutamine. Functional evidence is consistent with no deleterious impact on the gene or gene product. Therefore, based on the currently available evidence, this variant is classified as likely benign.

Mayo Clinic Laboratories, Mayo Clinic
Classification: Likely benign. Last evaluated: 2025-10-23. Review status: criteria provided, single submitter. Criteria: ACMG Guidelines, 2015. Collection method: clinical testing. Allele origin: germline. Observed: 1 variant allele.
Comment: BS3_supporting, BP6

Quest Diagnostics Nichols Institute San Juan Capistrano
Classification: Likely benign. Last evaluated: 2025-09-27. Review status: criteria provided, single submitter. Criteria: Quest Diagnostics criteria. Collection method: clinical testing. Allele origin: unknown.

KCCC/NGS Laboratory, Kuwait Cancer Control Center
Classification: Benign for CHEK2-related cancer predisposition. Last evaluated: 2025-02-01. Review status: criteria provided, single submitter. Criteria: ACMG Guidelines, 2015. Collection method: clinical testing. Allele origin: germline. Affected: no.

CeGaT Center for Human Genetics Tuebingen
Classification: Likely benign. Last evaluated: 2024-09-01. Review status: criteria provided, single submitter. Criteria: CeGaT Center For Human Genetics Tuebingen Variant Classification Criteria Version 2. Collection method: clinical testing. Allele origin: germline. Affected: yes. Observed: 3 variant alleles.
Comment: CHEK2: BP4, BS3:Supporting

KCCC/NGS Laboratory, Kuwait Cancer Control Center
Classification: Likely benign for Familial cancer of breast. Last evaluated: 2023-07-07. Review status: criteria provided, single submitter. Criteria: ACMG Guidelines, 2015. Collection method: clinical testing. Allele origin: germline. Affected: yes.

Department of Pathology and Laboratory Medicine, Sinai Health System
Classification: Likely benign for CHEK2-related cancer predisposition. Last evaluated: 2023-06-29. Review status: criteria provided, single submitter. Criteria: ACMG Guidelines, 2015. Collection method: clinical testing. Allele origin: germline. Affected: yes.

Myriad Genetics, Inc.
Classification: Likely benign for Familial cancer of breast. Last evaluated: 2023-03-09. Review status: criteria provided, single submitter. Criteria: Myriad Autosomal Dominant, Autosomal Recessive and X-Linked Classification Criteria (2023). Collection method: clinical testing. Allele origin: unknown.
Comment: This variant is considered likely benign. This variant is strongly associated with less severe personal and family histories of cancer, typical for individuals without pathogenic variants in this gene [PMID: 25085752].

Women's Health and Genetics/Laboratory Corporation of America, LabCorp
Classification: Benign. Last evaluated: 2022-06-27. Review status: criteria provided, single submitter. Criteria: LabCorp Variant Classification Summary - May 2015. Collection method: clinical testing. Allele origin: germline.
Comment: Variant summary: CHEK2 c.410G>A (p.Arg137Gln) results in a conservative amino acid change located in the Forkhead-associated (FHA) domain (IPR000253) of the encoded protein sequence. Four of five in-silico tools predict a benign effect of the variant on protein function. The variant allele was found at a frequency of 0.00018 in 270830 control chromosomes, predominantly at a frequency of 0.00049 within the Latino subpopulation in the gnomAD database. The observed variant frequency within Latino control individuals in the gnomAD database is approximately 1.6 fold of the estimated maximal expected allele frequency for a pathogenic variant in CHEK2 causing Breast Cancer phenotype (0.00031), strongly suggesting that the variant is a benign polymorphism found primarily in populations of Latino origin. c.410G>A has been reported in the literature in individuals affected with Breast Cancer (example, Bell_2007, Desrichard_2011, LeCalvez-Kelm_2011, Sodha_2002, Yorczyk_2014, Tung_2016, Momozawa_2018). These report(s) do not provide unequivocal conclusions about association of the variant with Breast Cancer. At-least two co-occurrences with other pathogenic variant(s) have been observed at our laboratory (BRCA1 c.1960A>T, p.Lys654X; APC c.4647delA, p.Glu1550fs), providing supporting evidence for a benign role. Multiple publications report experimental evidence evaluating an impact on protein function (example, Bell_2007, Desrichard_2011, Roeb_2012, Sodha_2006, Delimitsou_2019). These results showed no damaging effect of this variant (expression, stability, kinase activity and yeast-based functional assay based on ability to repair MMS induced DNA damage and resume cell growth and proliferation). Multiple clinical diagnostic laboratories have submitted clinical-significance assessments for this variant to ClinVar after 2014 with a majority consensus as likely benign. Based on the evidence outlined above, the variant was classified as benign.

Sema4
Classification: Likely benign for Hereditary cancer-predisposing syndrome. Last evaluated: 2021-03-29. Review status: criteria provided, single submitter. Criteria: Sema4 Curation Guidelines. Collection method: curation. Allele origin: germline.

CHEO Genetics Diagnostic Laboratory, Children's Hospital of Eastern Ontario
Classification: Likely benign for Breast and/or ovarian cancer. Last evaluated: 2021-01-26. Review status: criteria provided, single submitter. Criteria: ACMG Guidelines, 2015. Collection method: clinical testing. Allele origin: germline.

ARUP Laboratories, Molecular Genetics and Genomics, ARUP Laboratories
Classification: Likely benign. Last evaluated: 2019-11-11. Review status: criteria provided, single submitter. Criteria: ARUP Molecular Germline Variant Investigation Process. Collection method: clinical testing. Allele origin: germline.

Mendelics
Classification: Likely benign for Familial cancer of breast. Last evaluated: 2019-05-28. Review status: criteria provided, single submitter. Criteria: Mendelics Assertion Criteria 2017. Collection method: clinical testing. Allele origin: unknown.

Genetic Services Laboratory, University of Chicago
Classification: Likely benign. Last evaluated: 2019-02-18. Review status: criteria provided, single submitter. Criteria: ACMG Guidelines, 2015. Collection method: clinical testing. Allele origin: germline. Affected: no.

Ambry Genetics
Classification: Likely benign for Hereditary cancer-predisposing syndrome. Last evaluated: 2018-11-16. Review status: criteria provided, single submitter. Criteria: Ambry Variant Classification Scheme 2023. Collection method: clinical testing. Allele origin: germline.

GeneDx
Classification: Likely benign. Last evaluated: 2017-10-13. Review status: criteria provided, single submitter. Criteria: GeneDx Variant Classification (06012015). Collection method: clinical testing. Allele origin: germline. Affected: yes.
Comment: This variant is considered likely benign or benign based on one or more of the following criteria: it is a conservative change, it occurs at a poorly conserved position in the protein, it is predicted to be benign by multiple in silico algorithms, and/or has population frequency not consistent with disease.

Illumina Laboratory Services, Illumina
Classification: Uncertain significance for CHEK2-Related Cancer Susceptibility. Last evaluated: 2017-04-27. Review status: criteria provided, single submitter. Criteria: ICSL Variant Classification Criteria 13 December 2019. Collection method: clinical testing. Allele origin: germline.
Comment: This variant was observed as part of a predisposition screen in an ostensibly healthy population. A literature search was performed for the gene, cDNA change, and amino acid change (where applicable). Publications were found based on this search. However, the evidence from the literature, in combination with allele frequency data from public databases where available, was not sufficient to rule this variant in or out of causing disease. Therefore, this variant is classified as a variant of unknown significance.

Color Diagnostics, LLC DBA Color Health
Classification: Likely benign for Hereditary cancer-predisposing syndrome. Last evaluated: 2015-02-16. Review status: criteria provided, single submitter. Criteria: ACMG Guidelines, 2015. Collection method: clinical testing. Allele origin: germline.

Counsyl
Classification: Likely benign for Familial cancer of breast. Last evaluated: 2016-03-29. Review status: no assertion criteria provided. Collection method: clinical testing. Allele origin: unknown. Not counted in ClinVar's aggregate classification.

Genome Diagnostics Laboratory, Amsterdam University Medical Center
Classification: Likely benign. Review status: no assertion criteria provided. Collection method: clinical testing. Allele origin: germline. Affected: yes. Study: VKGL Data-share Consensus. Not counted in ClinVar's aggregate classification.

Genome Diagnostics Laboratory, University Medical Center Utrecht
Classification: Likely benign. Review status: no assertion criteria provided. Collection method: clinical testing. Allele origin: germline. Affected: yes. Study: VKGL Data-share Consensus. Not counted in ClinVar's aggregate classification.

Joint Genome Diagnostic Labs from Nijmegen and Maastricht, Radboudumc and MUMC+
Classification: Likely benign. Review status: no assertion criteria provided. Collection method: clinical testing. Allele origin: germline. Affected: yes. Study: VKGL Data-share Consensus. Not counted in ClinVar's aggregate classification.

Literature cited by the submitters: PubMed 33471991 (cited by Quest Diagnostics Nichols Institute San Juan Capistrano); PubMed 30287823 (cited by Quest Diagnostics Nichols Institute San Juan Capistrano and Women's Health and Genetics/Laboratory Corporation of America, LabCorp); PubMed 12454775 (cited by 5 submitters); PubMed 17721994 (cited by 5 submitters); PubMed 22419737 (cited by 4 submitters); PubMed 16982735 (cited by 5 submitters); PubMed 25186627 (cited by Quest Diagnostics Nichols Institute San Juan Capistrano and Counsyl); PubMed 22114986 (cited by 5 submitters); PubMed 21244692 (cited by 3 submitters); PubMed 15818573 (cited by Quest Diagnostics Nichols Institute San Juan Capistrano and Counsyl); PubMed 15239132 (cited by Quest Diagnostics Nichols Institute San Juan Capistrano and Women's Health and Genetics/Laboratory Corporation of America, LabCorp); PubMed 25980754 (cited by Quest Diagnostics Nichols Institute San Juan Capistrano and Counsyl); PubMed 25318351 (cited by 3 submitters); PubMed 26976419 (cited by Quest Diagnostics Nichols Institute San Juan Capistrano and Women's Health and Genetics/Laboratory Corporation of America, LabCorp); PubMed 32039725 (cited by Quest Diagnostics Nichols Institute San Juan Capistrano); PubMed 30851065 (cited by 3 submitters); PubMed 36243179 (cited by Quest Diagnostics Nichols Institute San Juan Capistrano); PubMed 25085752 (cited by Myriad Genetics, Inc.).